The following is an entry in ClinVar:

NM_002880.4(RAF1):c.1661G>A (p.Arg554Gln)

Gene: RAF1 (Raf-1 proto-oncogene, serine/threonine kinase; minus strand). Cytogenetic location: 3p25.2.
Variant type: single nucleotide variant.
Coding change: c.1661G>A on transcript NM_002880.4 (MANE Select); coding-DNA position 1661, G replaced by A.
Protein change: p.Arg554Gln; replaces arginine 554 with glutamine.
Molecular consequence: missense variant. On other transcripts: non-coding transcript variant (3).
Genome position (GRCh38, 1-based): chr3:12,585,129, C>T on the plus strand (G>A on the coding strand, the complement: RAF1 is on the minus strand). VCF-style: chr3-12585129-C-T. GRCh37 (hg19) VCF-style: chr3-12626628-C-T.
Other names: c.1721G>A, p.Arg574Gln (NM_001354689.3); c.1661G>A, p.Arg554Gln (NM_001354690.3); c.1418G>A, p.Arg473Gln (NM_001354691.3, NM_001354692.3); c.1562G>A, p.Arg521Gln (NM_001354693.3); c.1478G>A, p.Arg493Gln (NM_001354694.3); c.1319G>A, p.Arg440Gln (NM_001354695.3); short protein forms R440Q, R493Q, R473Q, R554Q, R521Q, R574Q.
Identifiers: ClinVar variation 1777494 (VCV001777494.5), dbSNP rs1345746169, ClinGen allele CA351497273.
Genomic context (GRCh38, chr3:12,585,129, plus strand): 5'-GGAGGCCCAGGGGCTCCCACGAGTTGGGTCCTTTCGCACCAGCACAGACTTACCTGATCT[C>T]GGTTGTTGATGTGAGAATAAGGAAGCTCCCCCGTCATCAGTTCATACAATACGATGCCAT-3'
Protein context (NP_002871.1, residues 544-564): GELPYSHINN[Arg554Gln]DQIIFMVGRG

ClinVar aggregate classification (germline): Uncertain significance. Review status: criteria provided, multiple submitters, no conflicts (2 of 4 stars). 3 submissions from 3 submitters: Uncertain significance (3). Last evaluated 2024-10-21.

Conditions:
Cardiovascular phenotype. Identifiers: MedGen CN230736.
RASopathy. Also called: rasopathies; Noonan spectrum disorder. Identifiers: Orphanet 536391, MedGen C5555857, MONDO:0021060.

Allele frequency attached by ClinVar (database versions not stated): gnomAD exomes below 0.00001.
gnomAD v4.1: 2 of 1,614,098 alleles (0.00012%); highest among the groups gnomAD compares: Non-Finnish European, 0.00017%; no homozygotes.

Submissions (3):

Labcorp Genetics (formerly Invitae), Labcorp
Classification: Uncertain significance for RASopathy. Last evaluated: 2024-10-21. Review status: criteria provided, single submitter. Criteria: Invitae Variant Classification Sherloc (09022015). Collection method: clinical testing. Allele origin: germline.
Comment: This sequence change replaces arginine, which is basic and polar, with glutamine, which is neutral and polar, at codon 554 of the RAF1 protein (p.Arg554Gln). This variant is not present in population databases (gnomAD no frequency). This variant has not been reported in the literature in individuals affected with RAF1-related conditions. ClinVar contains an entry for this variant (Variation ID: 1777494). Invitae Evidence Modeling incorporating data from in vitro experimental studies (internal data) indicates that this missense variant is not expected to disrupt RAF1 function with a negative predictive value of 95%. In summary, the available evidence is currently insufficient to determine the role of this variant in disease. Therefore, it has been classified as a Variant of Uncertain Significance.

GeneDx
Classification: Uncertain significance. Last evaluated: 2023-05-30. Review status: criteria provided, single submitter. Criteria: GeneDx Variant Classification Process June 2021. Collection method: clinical testing. Allele origin: germline. Affected: yes.
Comment: Has not been previously published as pathogenic or benign to our knowledge; Not observed at significant frequency in large population cohorts (gnomAD); In silico analysis supports that this missense variant has a deleterious effect on protein structure/function; Missense variants in this gene are often considered pathogenic (HGMD)

Ambry Genetics
Classification: Uncertain significance for Cardiovascular phenotype. Last evaluated: 2022-01-05. Review status: criteria provided, single submitter. Criteria: Ambry Variant Classification Scheme 2023. Collection method: clinical testing. Allele origin: germline.
Comment: The p.R554Q variant (also known as c.1661G>A), located in coding exon 14 of the RAF1 gene, results from a G to A substitution at nucleotide position 1661. The arginine at codon 554 is replaced by glutamine, an amino acid with highly similar properties. This amino acid position is conserved. In addition, this alteration is predicted to be deleterious by in silico analysis. Since supporting evidence is limited at this time, the clinical significance of this alteration remains unclear.